The following is an entry in ClinVar:

ClinVar aggregate classification (germline): Uncertain significance (1 of 4 stars; one submission).

Submission:

GeneDx
Classification: Uncertain significance. Last evaluated: 2025-04-04. Review status: criteria provided, single submitter. Criteria: GeneDx Variant Classification Process June 2021. Collection method: clinical testing. Allele origin: germline. Affected: yes.
Comment: Not observed at significant frequency in large population cohorts (gnomAD); In silico analysis supports that this missense variant has a deleterious effect on protein structure/function; Has not been previously published as pathogenic or benign to our knowledge

NM_012330.4(KAT6B):c.2380G>A (p.Gly794Arg)

Gene: KAT6B (lysine acetyltransferase 6B; plus strand). Cytogenetic location: 10q22.2.
Variant type: single nucleotide variant.
Coding change: c.2380G>A on transcript NM_012330.4 (MANE Select); coding-DNA position 2380, G replaced by A.
Protein change: p.Gly794Arg; replaces glycine 794 with arginine.
Molecular consequence: missense variant. On other transcripts: intron variant (4).
Genome position (GRCh38, 1-based): chr10:74,985,086, G>A. VCF-style: chr10-74985086-G-A. GRCh37 (hg19) VCF-style: chr10-76744844-G-A.
Other names: c.1831G>A, p.Gly611Arg (NM_001256468.2, NM_001370138.1); c.1504G>A, p.Gly502Arg (NM_001256469.2, NM_001370139.1, NM_001370140.1 and 2 more transcripts); c.2380G>A, p.Gly794Arg (NM_001370136.1, NM_001370137.1); c.1315G>A, p.Gly439Arg (NM_001370143.1, NM_001370144.1); c.847-3933G>A (NM_001370133.1); c.450+3158G>A (NM_001370134.1); c.1497+3158G>A (NM_001370132.1); c.193-3933G>A (NM_001370135.1); short protein forms G439R, G502R, G611R, G794R.
Identifiers: ClinVar variation 4278763 (VCV004278763.1).